The following is an entry in ClinVar:

NM_005359.6(SMAD4):c.629G>C (p.Ser210Thr)

Gene: SMAD4 (SMAD family member 4; plus strand). Cytogenetic location: 18q21.2.
Variant type: single nucleotide variant.
Coding change: c.629G>C on transcript NM_005359.6 (MANE Select); coding-DNA position 629, G replaced by C.
Protein change: p.Ser210Thr; replaces serine 210 with threonine.
Molecular consequence: missense variant. On other transcripts: non-coding transcript variant (2).
Genome position (GRCh38, 1-based): chr18:51,054,955, G>C. VCF-style: chr18-51054955-G-C. GRCh37 (hg19) VCF-style: chr18-48581325-G-C.
Other names: c.629G>C, p.Ser210Thr (NM_001407041.1, NM_001407042.1, NM_001407043.1); short protein forms S210T.
Identifiers: ClinVar variation 3238423 (VCV003238423.1), dbSNP rs1599187043.

ClinVar aggregate classification (germline): Uncertain significance (1 of 4 stars; one submission).

Conditions:
Hereditary cancer-predisposing syndrome. Also called: Neoplastic Syndromes, Hereditary; Tumor predisposition; Hereditary neoplastic syndrome; Hereditary Cancer Syndrome. Identifiers: Orphanet 140162, MedGen C0027672, MeSH D009386, MONDO:0015356.
Familial thoracic aortic aneurysm and aortic dissection (TAAD). Also called: Thoracic aortic aneurysms and dissections. Identifiers: Orphanet 91387, MedGen C4707243, MONDO:0019625.

Submission:

Ambry Genetics
Classification: Uncertain significance for Hereditary cancer-predisposing syndrome; Familial thoracic aortic aneurysm and aortic dissection. Last evaluated: 2023-11-03. Review status: criteria provided, single submitter. Criteria: Ambry Variant Classification Scheme 2023. Collection method: clinical testing. Allele origin: germline.
Comment: The p.S210T variant (also known as c.629G>C), located in coding exon 4 of the SMAD4 gene, results from a G to C substitution at nucleotide position 629. The serine at codon 210 is replaced by threonine, an amino acid with similar properties. This amino acid position is conserved. In addition, the in silico prediction for this alteration is inconclusive. Since supporting evidence is limited at this time, the clinical significance of this alteration remains unclear.